The following is an entry in ClinVar:

ClinVar aggregate classification (germline): Uncertain significance (1 of 4 stars; one submission).

Conditions:
Lafora disease. Also called: Epilepsy progressive myoclonic 2. Identifiers: Orphanet 501, MedGen C0751783, MONDO:0009697.

Submission:

Labcorp Genetics (formerly Invitae), Labcorp
Classification: Uncertain significance for Lafora disease. Last evaluated: 2021-09-01. Review status: criteria provided, single submitter. Criteria: Invitae Variant Classification Sherloc (09022015). Collection method: clinical testing. Allele origin: germline.
Comment: This sequence change replaces leucine with proline at codon 312 of the NHLRC1 protein (p.Leu312Pro). The leucine residue is highly conserved and there is a moderate physicochemical difference between leucine and proline. This variant is not present in population databases (ExAC no frequency). This variant has not been reported in the literature in individuals affected with NHLRC1-related conditions. Algorithms developed to predict the effect of missense changes on protein structure and function (SIFT, PolyPhen-2, Align-GVGD) all suggest that this variant is likely to be disruptive. In summary, the available evidence is currently insufficient to determine the role of this variant in disease. Therefore, it has been classified as a Variant of Uncertain Significance.

NM_198586.3(NHLRC1):c.935T>C (p.Leu312Pro)

Gene: NHLRC1 (NHL repeat containing E3 ubiquitin protein ligase 1; minus strand). Cytogenetic location: 6p22.3.
Variant type: single nucleotide variant.
Coding change: c.935T>C on transcript NM_198586.3 (MANE Select); coding-DNA position 935, T replaced by C.
Protein change: p.Leu312Pro; replaces leucine 312 with proline.
Molecular consequence: missense variant.
Genome position (GRCh38, 1-based): chr6:18,121,672, A>G on the plus strand (T>C on the coding strand, the complement: NHLRC1 is on the minus strand). VCF-style: chr6-18121672-A-G. GRCh37 (hg19) VCF-style: chr6-18121903-A-G.
Other names: short protein forms L312P.
Identifiers: ClinVar variation 1515290 (VCV001515290.5), dbSNP rs2150702790, ClinGen allele CA362825665.
Genomic context (GRCh38, chr6:18,121,672, plus strand): 5'-TTTCCCTGGTGATCAAAGGTCACAGCGGAGGCAGTTATTTTGGAGGGAAAGTAGAGGCTC[A>G]GCCCAAAGGTATCCACTTGGCCGACAAGCTGCATACTTGAGCTAAACACTTTCACCCTGG-3'
Protein context (NP_940988.2, residues 302-322): QLVGQVDTFG[Leu312Pro]SLYFPSKITA